The following is an entry in ClinVar:

NM_173495.3(PTCHD1):c.217C>A (p.Leu73Ile)

Gene: PTCHD1 (patched domain containing 1; plus strand). Cytogenetic location: Xp22.11.
Variant type: single nucleotide variant.
Coding change: c.217C>A on transcript NM_173495.3 (MANE Select); coding-DNA position 217, C replaced by A.
Protein change: p.Leu73Ile; replaces leucine 73 with isoleucine.
Molecular consequence: missense variant.
Genome position (GRCh38, 1-based): chrX:23,335,092, C>A. VCF-style: chrX-23335092-C-A. GRCh37 (hg19) VCF-style: chrX-23353209-C-A.
Other names: short protein forms L73I.
Identifiers: ClinVar variation 1309715 (VCV001309715.2), dbSNP rs373105249, ClinGen allele CA412579197.

ClinVar aggregate classification (germline): Uncertain significance (1 of 4 stars; one submission).

Submission:

GeneDx
Classification: Uncertain significance. Last evaluated: 2019-10-25. Review status: criteria provided, single submitter. Criteria: GeneDx Variant Classification Process June 2021. Collection method: clinical testing. Allele origin: germline. Affected: yes.
Comment: Not observed in large population cohorts (Lek et al., 2016); In silico analysis, which includes protein predictors and evolutionary conservation, supports that this variant does not alter protein structure/function; A different missense change at this residue (L73F) has been reported in the Human Gene Mutation Database (Stenson et al., 2014); Has not been previously published as pathogenic or benign to our knowledge